The following is an entry in ClinVar:

NM_005188.3(CBL):c.-126_-125insTGGCGGCGGCGGCGGCGGCGGCGG

Genes: CBL (Cbl proto-oncogene; plus strand), FRA11B (fragile site, folic acid type, rare, fra(11)(q23.3); plus strand), LOC130006894 (ATAC-STARR-seq lymphoblastoid silent region 3974; plus strand). Cytogenetic location: 11q23.3.
Variant type: Insertion.
Coding change: c.-126_-125insTGGCGGCGGCGGCGGCGGCGGCGG on transcript NM_005188.3; 126 bases upstream of the start codon through 125 bases upstream of the start codon, TGGCGGCGGCGGCGGCGGCGGCGG inserted.
Genome position: GRCh38 VCF-style: chr11-119206289-C-CCGGTGGCGGCGGCGGCGGCGGCGG. GRCh37 (hg19) VCF-style: chr11-119076999-C-CCGGTGGCGGCGGCGGCGGCGGCGG.
Identifiers: ClinVar variation 4281278 (VCV004281278.7).

ClinVar aggregate classification (germline): Likely benign (1 of 4 stars; one submission).

Submission:

CeGaT Center for Human Genetics Tuebingen
Classification: Likely benign. Last evaluated: 2026-02-01. Review status: criteria provided, single submitter. Criteria: CeGaT Center For Human Genetics Tuebingen Variant Classification Criteria Version 2. Collection method: clinical testing. Allele origin: germline. Affected: yes. Observed: 3 variant alleles.
Comment: CBL: BS1